The following is an entry in ClinVar:

ClinVar aggregate classification (germline): Conflicting classifications of pathogenicity. Review status: criteria provided, conflicting classifications (1 of 4 stars). 2 submissions from 2 submitters: Uncertain significance (1); Likely benign (1). Last evaluated 2024-05-03.

Conditions:
Hereditary cancer-predisposing syndrome. Also called: Neoplastic Syndromes, Hereditary; Tumor predisposition; Hereditary Cancer Syndrome; Hereditary neoplastic syndrome. Identifiers: Orphanet 140162, MedGen C0027672, MeSH D009386, MONDO:0015356.

Allele frequency attached by ClinVar (database versions not stated): gnomAD exomes below 0.00001; TOPMed below 0.00001; gnomAD 0.00001.
gnomAD v4.1: 3 of 1,613,672 alleles (0.00019%); highest among the groups gnomAD compares: East Asian, 0.0045%; no homozygotes.

Submissions (2):

Ambry Genetics
Classification: Likely benign for Hereditary cancer-predisposing syndrome. Last evaluated: 2024-05-03. Review status: criteria provided, single submitter. Criteria: Ambry Variant Classification Scheme 2023. Collection method: clinical testing. Allele origin: germline.

Labcorp Genetics (formerly Invitae), Labcorp
Classification: Uncertain significance for Hereditary cancer-predisposing syndrome. Last evaluated: 2022-01-27. Review status: criteria provided, single submitter. Criteria: Invitae Variant Classification Sherloc (09022015). Collection method: clinical testing. Allele origin: germline.
Comment: This sequence change replaces asparagine, which is neutral and polar, with serine, which is neutral and polar, at codon 829 of the RAD50 protein (p.Asn829Ser). This variant is present in population databases (no rsID available, gnomAD 0.007%). This variant has not been reported in the literature in individuals affected with RAD50-related conditions. ClinVar contains an entry for this variant (Variation ID: 484698). Algorithms developed to predict the effect of missense changes on protein structure and function (SIFT, PolyPhen-2, Align-GVGD) all suggest that this variant is likely to be tolerated. In summary, the available evidence is currently insufficient to determine the role of this variant in disease. Therefore, it has been classified as a Variant of Uncertain Significance.

NM_005732.4(RAD50):c.2486A>G (p.Asn829Ser)

Gene: RAD50 (RAD50 double strand break repair protein; plus strand). Cytogenetic location: 5q31.1.
Variant type: single nucleotide variant.
Coding change: c.2486A>G on transcript NM_005732.4 (MANE Select); coding-DNA position 2486, A replaced by G.
Protein change: p.Asn829Ser; replaces asparagine 829 with serine.
Molecular consequence: missense variant.
Genome position (GRCh38, 1-based): chr5:132,604,008, A>G. VCF-style: chr5-132604008-A-G. GRCh37 (hg19) VCF-style: chr5-131939700-A-G.
Other names: short protein forms N829S.
Identifiers: ClinVar variation 484698 (VCV000484698.14), dbSNP rs1174824621, ClinGen allele CA360955753.